The following is an entry in ClinVar:

ClinVar aggregate classification (germline): Uncertain significance (1 of 4 stars; one submission).

gnomAD v4.1: 1 of 1,611,844 alleles (0.000062%); highest among the groups gnomAD compares: African/African-American, 0.0013%; no homozygotes.

Submission:

Ambry Genetics
Classification: Uncertain significance. Last evaluated: 2025-05-11. Review status: criteria provided, single submitter. Criteria: Ambry Variant Classification Scheme 2023. Collection method: clinical testing. Allele origin: germline.
Comment: The p.L228P variant (also known as c.683T>C), located in coding exon 6 of the RAD51B gene, results from a T to C substitution at nucleotide position 683. The leucine at codon 228 is replaced by proline, an amino acid with similar properties. This amino acid position is conserved. In addition, this alteration is predicted to be tolerated by in silico analysis. Based on the available evidence, the clinical significance of this variant remains unclear.

NM_133510.4(RAD51B):c.683T>C (p.Leu228Pro)

Gene: RAD51B (RAD51 paralog B; plus strand). Cytogenetic location: 14q24.1.
Variant type: single nucleotide variant.
Coding change: c.683T>C on transcript NM_133510.4 (MANE Select); coding-DNA position 683, T replaced by C.
Protein change: p.Leu228Pro; replaces leucine 228 with proline.
Molecular consequence: missense variant.
Genome position (GRCh38, 1-based): chr14:67,887,131, T>C. VCF-style: chr14-67887131-T-C. GRCh37 (hg19) VCF-style: chr14-68353848-T-C.
Other names: c.683T>C, p.Leu228Pro (NM_001321809.2, NM_001321810.2, NM_001321812.1 and 6 more transcripts); c.569T>C, p.Leu190Pro (NM_001321815.1); c.326T>C, p.Leu109Pro (NM_001321817.2); short protein forms L190P, L228P, L109P.
Identifiers: ClinVar variation 3942315 (VCV003942315.1).